The following is an entry in ClinVar:

NM_021224.6(ZNF462):c.5782A>T (p.Arg1928Trp)

Gene: ZNF462 (zinc finger protein 462; plus strand). Cytogenetic location: 9q31.2.
Variant type: single nucleotide variant.
Coding change: c.5782A>T on transcript NM_021224.6 (MANE Select); coding-DNA position 5782, A replaced by T.
Protein change: p.Arg1928Trp; replaces arginine 1928 with tryptophan.
Molecular consequence: missense variant. On other transcripts: intron variant (1).
Genome position (GRCh38, 1-based): chr9:106,929,694, A>T. VCF-style: chr9-106929694-A-T. GRCh37 (hg19) VCF-style: chr9-109691975-A-T.
Other names: c.3253-831A>T (NM_001347997.2); short protein forms R1928W.
Identifiers: ClinVar variation 4795690 (VCV004795690.1).

ClinVar aggregate classification (germline): Uncertain significance (1 of 4 stars; one submission).

Submission:

GeneDx
Classification: Uncertain significance. Last evaluated: 2025-08-09. Review status: criteria provided, single submitter. Criteria: GeneDx Variant Classification Process June 2021. Collection method: clinical testing. Allele origin: germline. Affected: yes.
Comment: Not observed at significant frequency in large population cohorts (gnomAD); In silico analysis supports that this missense variant has a deleterious effect on protein structure/function; Has not been previously published as pathogenic or benign to our knowledge